The following is an entry in ClinVar:

NM_001886.3(CRYBA4):c.68A>C (p.Gln23Pro)

Gene: CRYBA4 (crystallin beta A4; plus strand). Cytogenetic location: 22q12.1.
Variant type: single nucleotide variant.
Coding change: c.68A>C on transcript NM_001886.3 (MANE Select); coding-DNA position 68, A replaced by C.
Protein change: p.Gln23Pro; replaces glutamine 23 with proline.
Molecular consequence: missense variant.
Genome position (GRCh38, 1-based): chr22:26,623,262, A>C. VCF-style: chr22-26623262-A-C. GRCh37 (hg19) VCF-style: chr22-27019226-A-C.
Other names: short protein forms Q23P.
Identifiers: ClinVar variation 4529754 (VCV004529754.1).

ClinVar aggregate classification (germline): Uncertain significance (1 of 4 stars; one submission).

Submission:

GeneDx
Classification: Uncertain significance. Last evaluated: 2025-05-13. Review status: criteria provided, single submitter. Criteria: GeneDx Variant Classification Process June 2021. Collection method: clinical testing. Allele origin: germline. Affected: yes.
Comment: Not observed at significant frequency in large population cohorts (gnomAD); In silico analysis supports that this missense variant has a deleterious effect on protein structure/function; Has not been previously published as pathogenic or benign to our knowledge